The following is an entry in ClinVar:

ClinVar aggregate classification (germline): Conflicting classifications of pathogenicity. Review status: criteria provided, conflicting classifications (1 of 4 stars). 7 submissions from 7 submitters: Uncertain significance (6); Likely benign (1). Last evaluated 2025-11-21.

Conditions:
Cardiovascular phenotype. Identifiers: MedGen CN230736.
Cardiomyopathy (CMYO). Also called: Cardiomyopathies. Identifiers: Orphanet 167848, MedGen C0878544, MONDO:0004994, HP:0001638. Inheritance: Various modes of inheritance.
Woolly hair-skin fragility syndrome (WHSF). Identifiers: Orphanet 293165, MedGen C1843292, MONDO:0957307, OMIM 620415.
Cardiomyopathy, dilated, with wooly hair, keratoderma, and tooth agenesis. Also called: Cardiomyopathy, dilated, with woolly hair, keratoderma, and tooth agenesis; Erythrokeratodermia-cardiomyopathy syndrome. Identifiers: Orphanet 476096, Orphanet 65282, MedGen C4014393, MONDO:0014355, OMIM 615821.
Lethal acantholytic epidermolysis bullosa (EBLA). Identifiers: Orphanet 158687, MedGen C1864826, MONDO:0012323, OMIM 609638.
Arrhythmogenic cardiomyopathy with wooly hair and keratoderma. Also called: PALMOPLANTAR KERATODERMA WITH LEFT VENTRICULAR CARDIOMYOPATHY AND WOOLLY HAIR; Carvajal syndrome; Dilated cardiomyopathy with woolly hair and keratoderma; Arrhythmogenic cardiomyopathy with woolly hair and keratoderma. Identifiers: Orphanet 65282, MedGen C1854063, MONDO:0011581, OMIM 605676.
Arrhythmogenic right ventricular dysplasia 8 (ARVD8). Also called: Arrhythmogenic Right Ventricular Dysplasia/Cardiomyopathy 8; ARRHYTHMOGENIC RIGHT VENTRICULAR DYSPLASIA, FAMILIAL, 8; ARRHYTHMOGENIC RIGHT VENTRICULAR CARDIOMYOPATHY 8. Identifiers: MedGen C1843896, MONDO:0011831, OMIM 607450.
Keratosis palmoplantaris striata 2. Also called: Keratosis palmoplantaris striata II; KERATODERMA, PALMOPLANTAR, STRIATE FORM II; STRIATE PALMOPLANTAR KERATODERMA II. Identifiers: MedGen C1852127, MONDO:0013034, OMIM 612908.

Allele frequency attached by ClinVar (database versions not stated): TOPMed 0.00001; ExAC 0.00002; gnomAD exomes 0.00003.
gnomAD v4.1: 19 of 1,614,118 alleles (0.0012%); highest among the groups gnomAD compares: Non-Finnish European, 0.0016%; no homozygotes.

Submissions (7):

Labcorp Genetics (formerly Invitae), Labcorp
Classification: Likely benign for Arrhythmogenic cardiomyopathy with wooly hair and keratoderma; Arrhythmogenic right ventricular dysplasia 8. Last evaluated: 2025-11-21. Review status: criteria provided, single submitter. Criteria: Invitae Variant Classification Sherloc (09022015). Collection method: clinical testing. Allele origin: germline.

Ambry Genetics
Classification: Uncertain significance for Cardiovascular phenotype. Last evaluated: 2025-08-28. Review status: criteria provided, single submitter. Criteria: Ambry Variant Classification Scheme 2023. Collection method: clinical testing. Allele origin: germline.

Revvity Omics, Revvity
Classification: Uncertain significance. Last evaluated: 2025-04-07. Review status: criteria provided, single submitter. Criteria: ACMG Guidelines, 2015. Collection method: clinical testing. Allele origin: germline.

GeneDx
Classification: Uncertain significance. Last evaluated: 2024-11-05. Review status: criteria provided, single submitter. Criteria: GeneDx Variant Classification Process June 2021. Collection method: clinical testing. Allele origin: germline. Affected: yes.
Comment: Has not been previously published as pathogenic or benign to our knowledge; In silico analysis supports that this missense variant has a deleterious effect on protein structure/function

Color Diagnostics, LLC DBA Color Health
Classification: Uncertain significance for Cardiomyopathy. Last evaluated: 2024-03-07. Review status: criteria provided, single submitter. Criteria: ACMG Guidelines, 2015. Collection method: clinical testing. Allele origin: germline.
Comment: This missense variant replaces arginine with glycine at codon 2801 of the DSP protein. Computational prediction suggests that this variant may not impact protein structure and function (internally defined REVEL score threshold <= 0.5, PMID: 27666373). To our knowledge, functional studies have not been reported for this variant. This variant has not been reported in individuals affected with cardiovascular disorders in the literature. This variant has been identified in 7/251228 chromosomes in the general population by the Genome Aggregation Database (gnomAD). The available evidence is insufficient to determine the role of this variant in disease conclusively. Therefore, this variant is classified as a Variant of Uncertain Significance.

All of Us Research Program, National Institutes of Health
Classification: Uncertain significance for Arrhythmogenic cardiomyopathy with wooly hair and keratoderma. Last evaluated: 2023-12-01. Review status: criteria provided, single submitter. Criteria: ACMG Guidelines, 2015. Collection method: clinical testing. Allele origin: germline. Inheritance: Autosomal dominant inheritance. Observed: 3 variant alleles, 3 heterozygotes.
Comment: This missense variant replaces arginine with glycine at codon 2801 of the DSP protein. Computational prediction suggests that this variant may not impact protein structure and function (internally defined REVEL score threshold <= 0.5, PMID: 27666373). To our knowledge, functional studies have not been reported for this variant. This variant has not been reported in individuals affected with cardiovascular disorders in the literature. This variant has been identified in 7/251228 chromosomes in the general population by the Genome Aggregation Database (gnomAD). The available evidence is insufficient to determine the role of this variant in disease conclusively. Therefore, this variant is classified as a Variant of Uncertain Significance.

This study involves interpretation of variants in research participants for the purpose of population health screening. Participant phenotype was not available at the time of variant classification. Additional details can be found in publication PMID: 35346344, PMCID: PMC8962531

Fulgent Genetics
Classification: Uncertain significance for Arrhythmogenic cardiomyopathy with wooly hair and keratoderma; Arrhythmogenic right ventricular dysplasia 8; Lethal acantholytic epidermolysis bullosa; Keratosis palmoplantaris striata 2; Cardiomyopathy, dilated, with wooly hair, keratoderma, and tooth agenesis. Last evaluated: 2021-08-19. Review status: criteria provided, single submitter. Criteria: ACMG Guidelines, 2015. Collection method: clinical testing. Allele origin: unknown.

NM_004415.4(DSP):c.8401C>G (p.Arg2801Gly)

Gene: DSP (desmoplakin; plus strand). Cytogenetic location: 6p24.3.
Variant type: single nucleotide variant.
Coding change: c.8401C>G on transcript NM_004415.4 (MANE Select); coding-DNA position 8401, C replaced by G.
Protein change: p.Arg2801Gly; replaces arginine 2801 with glycine.
Molecular consequence: missense variant.
Genome position (GRCh38, 1-based): chr6:7,585,663, C>G. VCF-style: chr6-7585663-C-G. GRCh37 (hg19) VCF-style: chr6-7585896-C-G.
Other names: c.8401C>G (LRG_423t1); c.6604C>G, p.Arg2202Gly (NM_001008844.3); c.7072C>G, p.Arg2358Gly (NM_001319034.2); short protein forms R2801G, R2202G, R2358G.
Identifiers: ClinVar variation 534290 (VCV000534290.19), dbSNP rs760215987, ClinGen allele CA052220.
Genomic context (GRCh38, chr6:7,585,663, plus strand): 5'-TTAAAAATATCCTATAAGGATGCCATAAATCGCTCCATGGTAGAAGATATCACTGGGCTG[C>G]GCCTTCTGGAAGCCGCCTCCGTGTCGTCCAAGGGCTTACCCAGCCCTTACAACATGTCTT-3'
Protein context (NP_004406.2, residues 2791-2811): RSMVEDITGL[Arg2801Gly]LLEAASVSSK